The following is an entry in ClinVar:

NM_020699.4(GATAD2B):c.1525C>T (p.Arg509Trp)

Gene: GATAD2B (GATA zinc finger domain containing 2B; minus strand). Cytogenetic location: 1q21.3.
Variant type: single nucleotide variant.
Coding change: c.1525C>T on transcript NM_020699.4 (MANE Select); coding-DNA position 1525, C replaced by T.
Protein change: p.Arg509Trp; replaces arginine 509 with tryptophan.
Molecular consequence: missense variant.
Genome position (GRCh38, 1-based): chr1:153,812,027, G>A on the plus strand (C>T on the coding strand, the complement: GATAD2B is on the minus strand). VCF-style: chr1-153812027-G-A. GRCh37 (hg19) VCF-style: chr1-153784503-G-A.
Other names: short protein forms R509W.
Identifiers: ClinVar variation 4755953 (VCV004755953.1).

ClinVar aggregate classification (germline): Uncertain significance (1 of 4 stars; one submission).

gnomAD v4.1: 1 of 1,591,602 alleles (0.000063%); highest among the groups gnomAD compares: Non-Finnish European, 0.000086%; no homozygotes.

Submission:

GeneDx
Classification: Uncertain significance. Last evaluated: 2025-08-05. Review status: criteria provided, single submitter. Criteria: GeneDx Variant Classification Process June 2021. Collection method: clinical testing. Allele origin: germline. Affected: yes.
Comment: Not observed at significant frequency in large population cohorts (gnomAD); In silico analysis supports that this missense variant has a deleterious effect on protein structure/function; Has not been previously published as pathogenic or benign to our knowledge